The following is an entry in ClinVar:

NM_018669.6(WDR4):c.1156A>C (p.Lys386Gln)

Gene: WDR4 (WDR4 tRNA N7-guanosine methyltransferase non-catalytic subunit; minus strand). Cytogenetic location: 21q22.3.
Variant type: single nucleotide variant.
Coding change: c.1156A>C on transcript NM_018669.6 (MANE Select); coding-DNA position 1156, A replaced by C.
Protein change: p.Lys386Gln; replaces lysine 386 with glutamine.
Molecular consequence: missense variant. On other transcripts: non-coding transcript variant (1).
Genome position (GRCh38, 1-based): chr21:42,850,132, T>G on the plus strand (A>C on the coding strand, the complement: WDR4 is on the minus strand). VCF-style: chr21-42850132-T-G. GRCh37 (hg19) VCF-style: chr21-44270242-T-G.
Other names: c.1153A>C, p.Lys385Gln (NM_001260474.2); c.718A>C, p.Lys240Gln (NM_001260475.2, NM_001260476.2, NM_001260477.2 and 1 more transcripts); c.1156A>C, p.Lys386Gln (NM_033661.5); c.1156A>C (NM_018669.4); short protein forms K385Q, K386Q, K240Q.
Identifiers: ClinVar variation 2070451 (VCV002070451.2), dbSNP rs146503711, ClinGen allele CA10045774.

ClinVar aggregate classification (germline): Uncertain significance. Review status: criteria provided, multiple submitters, no conflicts (2 of 4 stars). 2 submissions from 2 submitters: Uncertain significance (2). Last evaluated 2024-07-30.

Conditions:
Inborn genetic diseases. Identifiers: MedGen C0950123, MeSH D030342.

Allele frequency attached by ClinVar (database versions not stated): gnomAD 0.00014; TOPMed 0.00014; ESP Exome Variant Server 0.00015; gnomAD exomes 0.00016; ExAC 0.00025; 1000 Genomes Project 0.00080; 1000 Genomes Project 30x 0.00094.
gnomAD v4.1: 248 of 1,614,092 alleles (0.015%); highest among the groups gnomAD compares: Middle Eastern, 0.13%; 1 homozygote.

Submissions (2):

Ambry Genetics
Classification: Uncertain significance for Inborn genetic diseases. Last evaluated: 2024-07-30. Review status: criteria provided, single submitter. Criteria: Ambry Variant Classification Scheme 2023. Collection method: clinical testing. Allele origin: germline.

Labcorp Genetics (formerly Invitae), Labcorp
Classification: Uncertain significance. Last evaluated: 2022-05-26. Review status: criteria provided, single submitter. Criteria: Invitae Variant Classification Sherloc (09022015). Collection method: clinical testing. Allele origin: germline.
Comment: This sequence change replaces lysine, which is basic and polar, with glutamine, which is neutral and polar, at codon 386 of the WDR4 protein (p.Lys386Gln). This variant is present in population databases (rs146503711, gnomAD 0.07%). This variant has not been reported in the literature in individuals affected with WDR4-related conditions. Algorithms developed to predict the effect of missense changes on protein structure and function (SIFT, PolyPhen-2, Align-GVGD) all suggest that this variant is likely to be tolerated. In summary, the available evidence is currently insufficient to determine the role of this variant in disease. Therefore, it has been classified as a Variant of Uncertain Significance.